The following is an entry in ClinVar:

ClinVar aggregate classification (germline): Benign/Likely benign. Review status: criteria provided, multiple submitters, no conflicts (2 of 4 stars). 2 submissions from 2 submitters: Benign (1); Likely benign (1). Last evaluated 2025-03-19.

Conditions:
Juvenile polyposis syndrome (JPS). Identifiers: Orphanet 2929, MedGen C0345893, MONDO:0017380, OMIM 174900.
Juvenile polyposis/hereditary hemorrhagic telangiectasia syndrome (JPHT). Also called: JP/HHT SYNDROME; JUVENILE POLYPOSIS WITH HEREDITARY HEMORRHAGIC TELANGIECTASIA; POLYPOSIS, GENERALIZED JUVENILE, WITH PULMONARY ARTERIOVENOUS MALFORMATION; TELANGIECTASIA, HEREDITARY HEMORRHAGIC, WITH JUVENILE POLYPOSIS COLI; Juvenile Polyposis Syndrome / Hereditary Hemorrhagic Telangiectasia (JPS/HHT). Identifiers: Orphanet 2929, MedGen C1832942, MONDO:0008278, OMIM 175050.

Submissions (2):

Myriad Genetics, Inc.
Classification: Benign for Juvenile polyposis/hereditary hemorrhagic telangiectasia syndrome. Last evaluated: 2025-03-19. Review status: criteria provided, single submitter. Criteria: Myriad Autosomal Dominant, Autosomal Recessive and X-Linked Classification Criteria (2023). Collection method: clinical testing. Allele origin: unknown.
Comment: This variant is considered benign. This variant is a silent/synonymous amino acid change and it is not expected to impact splicing.

Labcorp Genetics (formerly Invitae), Labcorp
Classification: Likely benign for Juvenile polyposis syndrome. Last evaluated: 2024-02-22. Review status: criteria provided, single submitter. Criteria: Invitae Variant Classification Sherloc (09022015). Collection method: clinical testing. Allele origin: germline.

NM_005359.6(SMAD4):c.630C>T (p.Ser210=)

Gene: SMAD4 (SMAD family member 4; plus strand). Cytogenetic location: 18q21.2.
Variant type: single nucleotide variant.
Coding change: c.630C>T on transcript NM_005359.6 (MANE Select); coding-DNA position 630, C replaced by T.
Protein change: p.Ser210=; no amino-acid change (serine 210 retained).
Molecular consequence: synonymous variant.
Genome position (GRCh38, 1-based): chr18:51,054,956, C>T. VCF-style: chr18-51054956-C-T. GRCh37 (hg19) VCF-style: chr18-48581326-C-T.
Identifiers: ClinVar variation 1085852 (VCV001085852.10), dbSNP rs2144419447, ClinGen allele CA503873781.